The following is an entry in ClinVar:

NM_153240.5(NPHP3):c.2769C>T (p.Phe923=)

Genes: NPHP3 (nephrocystin 3; minus strand), NPHP3-ACAD11 (NPHP3-ACAD11 readthrough (NMD candidate); minus strand). Cytogenetic location: 3q22.1.
Variant type: single nucleotide variant.
Coding change: c.2769C>T on transcript NM_153240.5 (MANE Select); coding-DNA position 2769, C replaced by T.
Protein change: p.Phe923=; no amino-acid change (phenylalanine 923 retained).
Molecular consequence: synonymous variant. On other transcripts: non-coding transcript variant (1).
Genome position (GRCh38, 1-based): chr3:132,689,188, G>A on the plus strand (C>T on the coding strand, the complement: NPHP3 is on the minus strand). VCF-style: chr3-132689188-G-A. GRCh37 (hg19) VCF-style: chr3-132408032-G-A.
Other names: p.Phe923=.
Identifiers: ClinVar variation 289555 (VCV000289555.48), dbSNP rs116174472, ClinGen allele CA2621932.

ClinVar aggregate classification (germline): Conflicting classifications of pathogenicity. Review status: criteria provided, conflicting classifications (1 of 4 stars). 11 submissions from 9 submitters: Uncertain significance (3); Benign (1); Likely benign (5). 2 of the submissions do not count toward it. Last evaluated 2026-03-01.

Conditions:
Nephronophthisis. Also called: Juvenile Nephronophthisis. Identifiers: Orphanet 655, MedGen C0687120, MONDO:0019005, HP:0000090.
Nephronophthisis 3 (NPHP3). Also called: Adolescent nephronophthisis. Identifiers: Orphanet 655, MedGen C1858392, MONDO:0011456, OMIM 604387.
NPHP3-related Meckel-like syndrome. Also called: Meckel syndrome type 7; GOLDSTON SYNDROME. Identifiers: Orphanet 3032, MedGen C2673885, MONDO:0009966, OMIM 267010.
Renal-hepatic-pancreatic dysplasia 1 (RHPD1). Identifiers: MedGen C3715199, MONDO:0008833, OMIM 208540.

Allele frequency attached by ClinVar (database versions not stated): 1000 Genomes Project 0.00060; gnomAD 0.00062 and 0.00066; ESP Exome Variant Server 0.00069; TOPMed 0.00071; 1000 Genomes Project 30x 0.00078; gnomAD exomes 0.00082; ExAC 0.00088.
gnomAD v4.1: 1,344 of 1,614,050 alleles (0.083%); highest among the groups gnomAD compares: Admixed American, 0.16%; 3 homozygotes.

Submissions (11):

CeGaT Center for Human Genetics Tuebingen
Classification: Likely benign. Last evaluated: 2026-03-01. Review status: criteria provided, single submitter. Criteria: CeGaT Center For Human Genetics Tuebingen Variant Classification Criteria Version 2. Collection method: clinical testing. Allele origin: germline. Affected: yes. Observed: 2 variant alleles.
Comment: NPHP3: BP4, BP7

Labcorp Genetics (formerly Invitae), Labcorp
Classification: Benign for Nephronophthisis. Last evaluated: 2026-01-28. Review status: criteria provided, single submitter. Criteria: Invitae Variant Classification Sherloc (09022015). Collection method: clinical testing. Allele origin: germline.

Mayo Clinic Laboratories, Mayo Clinic
Classification: Likely benign. Last evaluated: 2025-07-14. Review status: criteria provided, single submitter. Criteria: ACMG Guidelines, 2015. Collection method: clinical testing. Allele origin: germline. Observed: 2 variant alleles.
Comment: BS1, BP4, BP7

Blueprint Genetics
Classification: Likely benign. Last evaluated: 2024-11-07. Review status: criteria provided, single submitter. Criteria: ACMG Guidelines, 2015. Collection method: clinical testing. Allele origin: germline.

GeneDx
Classification: Likely benign. Last evaluated: 2020-08-04. Review status: criteria provided, single submitter. Criteria: GeneDx Variant Classification Process June 2021. Collection method: clinical testing. Allele origin: germline. Affected: yes.

Illumina Laboratory Services, Illumina
Classification: Uncertain significance for Nephronophthisis 3. Last evaluated: 2018-01-13. Review status: criteria provided, single submitter. Criteria: ICSL Variant Classification Criteria 13 December 2019. Collection method: clinical testing. Allele origin: germline.

Illumina Laboratory Services, Illumina
Classification: Uncertain significance for Renal-hepatic-pancreatic dysplasia 1. Last evaluated: 2018-01-13. Review status: criteria provided, single submitter. Criteria: ICSL Variant Classification Criteria 13 December 2019. Collection method: clinical testing. Allele origin: germline.

Illumina Laboratory Services, Illumina
Classification: Uncertain significance for NPHP3-related Meckel-like syndrome. Last evaluated: 2018-01-13. Review status: criteria provided, single submitter. Criteria: ICSL Variant Classification Criteria 13 December 2019. Collection method: clinical testing. Allele origin: germline.

Eurofins Ntd Llc (ga)
Classification: Likely benign. Last evaluated: 2016-07-15. Review status: criteria provided, single submitter. Criteria: EGL Classification Definitions 2015. Collection method: clinical testing. Allele origin: germline. Observed: 1 variant allele, 1 heterozygote.

Clinical Genetics DNA and cytogenetics Diagnostics Lab, Erasmus MC, Erasmus Medical Center
Classification: Likely benign. Review status: no assertion criteria provided. Collection method: clinical testing. Allele origin: germline. Affected: yes. Study: VKGL Data-share Consensus. Not counted in ClinVar's aggregate classification.

Genome Diagnostics Laboratory, University Medical Center Utrecht
Classification: Benign. Review status: no assertion criteria provided. Collection method: clinical testing. Allele origin: germline. Affected: yes. Study: VKGL Data-share Consensus. Not counted in ClinVar's aggregate classification.